The following is an entry in ClinVar:

ClinVar aggregate classification (germline): Likely pathogenic (1 of 4 stars; one submission).

Conditions:
Neurofibromatosis, type 1 (NF1). Also called: VON RECKLINGHAUSEN DISEASE; NEUROFIBROMATOSIS, TYPE I, SOMATIC; Peripheral type neurofibromatosis; Neurofibromatosis, type I. Identifiers: Orphanet 636, MedGen C0027831, MONDO:0018975, OMIM 162200. Disease mechanism: loss of function.

Submission:

MVZ Martinsried, Medicover Genetics
Classification: Likely pathogenic for Neurofibromatosis, type 1. Last evaluated: 2026-08-27. Review status: criteria provided, single submitter. Criteria: ClinGen Variant Curation SOP V3.2 + Classification Guidance July2025. Collection method: clinical testing. Allele origin: unknown. Affected: yes. Observed: 1 heterozygote.
Comment: PVS1, PM2_Supporting

NM_001042492.3(NF1):c.4266T>A (p.Tyr1422Ter)

Gene: NF1 (neurofibromin 1; plus strand). Cytogenetic location: 17q11.2.
Variant type: single nucleotide variant.
Coding change: c.4266T>A on transcript NM_001042492.3 (MANE Select); coding-DNA position 4266, T replaced by A.
Protein change: p.Tyr1422Ter; replaces tyrosine 1422 with a stop codon.
Molecular consequence: nonsense.
Genome position (GRCh38, 1-based): chr17:31,258,436, T>A. VCF-style: chr17-31258436-T-A. GRCh37 (hg19) VCF-style: chr17-29585454-T-A.
Other names: c.4203T>A, p.Tyr1401Ter (NM_000267.4); short protein forms Y1401*, Y1422*.
Identifiers: ClinVar variation 5043464 (VCV005043464.1).